The following is an entry in ClinVar:

ClinVar aggregate classification (germline): Uncertain significance (1 of 4 stars; one submission).

Conditions:
RYR1-related disorder. Also called: RYR1-related condition; RYR1-related disorders. Identifiers: MedGen CN239331.

Submission:

Labcorp Genetics (formerly Invitae), Labcorp
Classification: Uncertain significance for RYR1-related disorder. Last evaluated: 2022-02-24. Review status: criteria provided, single submitter. Criteria: Invitae Variant Classification Sherloc (09022015). Collection method: clinical testing. Allele origin: germline.
Comment: This variant, c.5741_5743del, results in the deletion of 1 amino acid(s) of the RYR1 protein (p.Ala1914del), but otherwise preserves the integrity of the reading frame. In summary, the available evidence is currently insufficient to determine the role of this variant in disease. Therefore, it has been classified as a Variant of Uncertain Significance. Experimental studies and prediction algorithms are not available or were not evaluated, and the functional significance of this variant is currently unknown. This variant has not been reported in the literature in individuals affected with RYR1-related conditions. This variant is present in population databases (no rsID available, gnomAD 0.0009%).

NM_000540.3(RYR1):c.5738CAG[1] (p.Ala1914del)

Gene: RYR1 (ryanodine receptor 1; plus strand). Cytogenetic location: 19q13.2.
Variant type: Microsatellite.
Coding change: c.5738CAG[1] on transcript NM_000540.3 (MANE Select); one copy of the 3-base unit CAG starting at c.5738; the reference has two copies in a row; one copy, 3 bases deleted.
Protein change: p.Ala1914del; deletes alanine 1914.
Molecular consequence: inframe deletion.
Genome position (GRCh38, 1-based): chr19:38,489,370-38,489,372, CAG deleted; deleting any 3 consecutive bases within chr19:38,489,366-38,489,372 gives the same sequence; the position shown is the placement nearest the transcript's 3' end. VCF-style (leftmost placement, unchanged base first): chr19-38489365-GGCA-G. GRCh37 (hg19) VCF-style: chr19-38980005-GGCA-G.
Other names: c.5738CAG[1], p.Ala1914del (NM_001042723.2); short protein forms A1914del.
Identifiers: ClinVar variation 1955816 (VCV001955816.5), dbSNP rs1343015782, ClinGen allele CA633066107.
Genomic context (GRCh38, chr19:38,489,365, plus strand): 5'-GGAGGAGGATGAGGAGGAAACAGCACAGGAAAAGGAAGATGAGGAAAAAGAGGAAGAGGA[GGCA>G]GCAGAAGGGGAGAAAGAAGAAGGCTTGGAGGAAGGGCTGCTCCAGATGAAGTTGCCAGAG-3'